The following is an entry in ClinVar:

NM_001387430.1(SH2B1):c.951C>G (p.Pro317=)

Gene: SH2B1 (SH2B adaptor protein 1; plus strand). Cytogenetic location: 16p11.2.
Variant type: single nucleotide variant.
Coding change: c.951C>G on transcript NM_001387430.1 (MANE Select); coding-DNA position 951, C replaced by G.
Protein change: p.Pro317=; no amino-acid change (proline 317 retained).
Molecular consequence: synonymous variant. On other transcripts: intron variant (1).
Genome position (GRCh38, 1-based): chr16:28,867,342, C>G. VCF-style: chr16-28867342-C-G. GRCh37 (hg19) VCF-style: chr16-28878663-C-G.
Other names: c.951C>G, p.Pro317= (NM_001145795.2, NM_001145796.2, NM_001145797.2 and 4 more transcripts); c.-26-32C>G (NM_001308294.2).
Identifiers: ClinVar variation 4987204 (VCV004987204.1).

ClinVar aggregate classification (germline): Likely benign (1 of 4 stars; one submission).

Conditions:
SH2B1-related disorder. Also called: SH2B1-related condition.

Submission:

PreventionGenetics, part of Exact Sciences
Classification: Likely benign for SH2B1-related condition. Last evaluated: 2024-12-31. Review status: criteria provided, single submitter. Criteria: ACMG Guidelines, 2015. Collection method: clinical testing. Allele origin: germline.
Comment: This variant is classified as likely benign based on ACMG/AMP sequence variant interpretation guidelines (Richards et al. 2015 PMID: 25741868, with internal and published modifications).